The following is an entry in ClinVar:

ClinVar aggregate classification (germline): Uncertain significance. Review status: criteria provided, multiple submitters, no conflicts (2 of 4 stars). 3 submissions from 3 submitters: Uncertain significance (3). Last evaluated 2025-06-13.

Conditions:
Meckel-Gruber syndrome. Also called: DYSENCEPHALIA SPLANCHNOCYSTICA; GRUBER SYNDROME; Dysencephalia splachnocystica. Identifiers: Orphanet 564, MedGen C0265215, MONDO:0018921.
Joubert syndrome. Also called: JOUBERT-BOLTSHAUSER SYNDROME; Familial aplasia of the vermis. Identifiers: Orphanet 475, MedGen C5979921, MONDO:0018772.
Nephronophthisis. Also called: Juvenile Nephronophthisis. Identifiers: Orphanet 655, MedGen C0687120, MONDO:0019005, HP:0000090.
CEP290-related disorder. Also called: CEP290-related condition; CEP290-related disorders. Identifiers: MedGen CN239314.

Allele frequency attached by ClinVar (database versions not stated): TOPMed below 0.00001; gnomAD exomes 0.00001.

Submissions (3):

PreventionGenetics, part of Exact Sciences
Classification: Uncertain significance for CEP290-related condition. Last evaluated: 2025-06-13. Review status: criteria provided, single submitter. Criteria: ACMG Guidelines, 2015. Collection method: clinical testing. Allele origin: germline.
Comment: The CEP290 c.50A>C variant is predicted to result in the amino acid substitution p.Asp17Ala. To our knowledge, this variant has not been reported in the literature. This variant is reported in 0.0088% of alleles in individuals of Latino descent in gnomAD. At this time, the clinical significance of this variant is uncertain due to the absence of conclusive functional and genetic evidence.

GeneDx
Classification: Uncertain significance. Last evaluated: 2022-02-22. Review status: criteria provided, single submitter. Criteria: GeneDx Variant Classification Process June 2021. Collection method: clinical testing. Allele origin: germline. Affected: yes.
Comment: Not observed at significant frequency in large population cohorts (gnomAD); In silico analysis supports that this missense variant does not alter protein structure/function; Has not been previously published as pathogenic or benign to our knowledge

Labcorp Genetics (formerly Invitae), Labcorp
Classification: Uncertain significance for Joubert syndrome; Meckel-Gruber syndrome; Nephronophthisis. Last evaluated: 2021-12-29. Review status: criteria provided, single submitter. Criteria: Invitae Variant Classification Sherloc (09022015). Collection method: clinical testing. Allele origin: germline.
Comment: In summary, the available evidence is currently insufficient to determine the role of this variant in disease. Therefore, it has been classified as a Variant of Uncertain Significance. Algorithms developed to predict the effect of missense changes on protein structure and function (SIFT, PolyPhen-2, Align-GVGD) all suggest that this variant is likely to be tolerated. This variant has not been reported in the literature in individuals affected with CEP290-related conditions. This variant is present in population databases (no rsID available, gnomAD 0.009%). This sequence change replaces aspartic acid, which is acidic and polar, with alanine, which is neutral and non-polar, at codon 17 of the CEP290 protein (p.Asp17Ala).

NM_025114.4(CEP290):c.50A>C (p.Asp17Ala)

Gene: CEP290 (centrosomal protein 290; minus strand). Cytogenetic location: 12q21.32.
Variant type: single nucleotide variant.
Coding change: c.50A>C on transcript NM_025114.4 (MANE Select); coding-DNA position 50, A replaced by C.
Protein change: p.Asp17Ala; replaces aspartic acid 17 with alanine.
Molecular consequence: missense variant.
Genome position (GRCh38, 1-based): chr12:88,141,258, T>G on the plus strand (A>C on the coding strand, the complement: CEP290 is on the minus strand). VCF-style: chr12-88141258-T-G. GRCh37 (hg19) VCF-style: chr12-88535035-T-G.
Other names: short protein forms D17A.
Identifiers: ClinVar variation 1702611 (VCV001702611.8), dbSNP rs1182703361, ClinGen allele CA385990331.
Genomic context (GRCh38, chr12:88,141,258, plus strand): 5'-TTAAGCACCTTGGATAAGGAAATCAATAAATTATCTGCCAGTTCTTCTTGACGGGGCAGG[T>G]CATCTGGGTCAACTTTCATTATTTCTTTCCAGTTTATATTAGGTGGCATCTTGAATTCTT-3'
Protein context (NP_079390.3, residues 7-27): WKEIMKVDPD[Asp17Ala]LPRQEELADN